The following is an entry in ClinVar:

ClinVar aggregate classification (germline): Likely benign (1 of 4 stars; one submission).

Submission:

CeGaT Center for Human Genetics Tuebingen
Classification: Likely benign. Last evaluated: 2026-04-01. Review status: criteria provided, single submitter. Criteria: CeGaT Center For Human Genetics Tuebingen Variant Classification Criteria Version 2. Collection method: clinical testing. Allele origin: germline. Affected: yes. Observed: 1 variant allele.
Comment: KCTD19: PM2:Supporting, BP4, BP7

NM_001100915.3(KCTD19):c.957A>C (p.Thr319=)

Gene: KCTD19 (potassium channel tetramerization domain containing 19; minus strand). Cytogenetic location: 16q22.1.
Variant type: single nucleotide variant.
Coding change: c.957A>C on transcript NM_001100915.3 (MANE Select); coding-DNA position 957, A replaced by C.
Protein change: p.Thr319=; no amino-acid change (threonine 319 retained).
Molecular consequence: synonymous variant.
Genome position (GRCh38, 1-based): chr16:67,299,392, T>G on the plus strand (A>C on the coding strand, the complement: KCTD19 is on the minus strand). VCF-style: chr16-67299392-T-G. GRCh37 (hg19) VCF-style: chr16-67333295-T-G.
Identifiers: ClinVar variation 4874730 (VCV004874730.2).